The following is an entry in ClinVar:

ClinVar aggregate classification (germline): Benign/Likely benign. Review status: criteria provided, multiple submitters, no conflicts (2 of 4 stars). 3 submissions from 3 submitters: Benign (2); Likely benign (1). Last evaluated 2023-10-01.

Allele frequency attached by ClinVar (database versions not stated): 1000 Genomes Project 30x 0.00234; 1000 Genomes Project 0.00240; TOPMed 0.00497; ESP Exome Variant Server 0.00661; gnomAD 0.00734 and 0.00767; gnomAD exomes 0.00821 and 0.00918; ExAC 0.00826.
gnomAD v4.1: 13,916 of 1,556,806 alleles (0.89%); highest among the groups gnomAD compares: Non-Finnish European, 0.97%; 121 homozygotes.

Submissions (3):

CeGaT Center for Human Genetics Tuebingen
Classification: Likely benign. Last evaluated: 2023-10-01. Review status: criteria provided, single submitter. Criteria: CeGaT Center For Human Genetics Tuebingen Variant Classification Criteria Version 2. Collection method: clinical testing. Allele origin: germline. Affected: yes. Observed: 1 variant allele.
Comment: FSTL1: BP4, BP7, BS2

Labcorp Genetics (formerly Invitae), Labcorp
Classification: Benign. Last evaluated: 2018-07-29. Review status: criteria provided, single submitter. Criteria: Invitae Variant Classification Sherloc (09022015). Collection method: clinical testing. Allele origin: germline.

Breakthrough Genomics
Classification: Benign. Review status: criteria provided, single submitter. Criteria: ACMG Guidelines, 2015. Collection method: not provided. Allele origin: germline. Inheritance: Unknown mechanism. Affected: yes.

NM_007085.5(FSTL1):c.804C>T (p.Asp268=)

Genes: FSTL1 (follistatin like 1; minus strand), LRRC58-DT (LRRC58 divergent transcript; plus strand). Cytogenetic location: 3q13.33.
Variant type: single nucleotide variant.
Coding change: c.804C>T on transcript NM_007085.5 (MANE Select); coding-DNA position 804, C replaced by T.
Protein change: p.Asp268=; no amino-acid change (aspartic acid 268 retained).
Molecular consequence: synonymous variant.
Genome position (GRCh38, 1-based): chr3:120,402,809, G>A on the plus strand (C>T on the coding strand, the complement: FSTL1 is on the minus strand). VCF-style: chr3-120402809-G-A. GRCh37 (hg19) VCF-style: chr3-120121656-G-A.
Identifiers: ClinVar variation 784017 (VCV000784017.28), dbSNP rs139355917, ClinGen allele CA2559421.